The following is an entry in ClinVar:

ClinVar aggregate classification (germline): Uncertain significance. Review status: criteria provided, multiple submitters, no conflicts (2 of 4 stars). 2 submissions from 2 submitters: Uncertain significance (2). Last evaluated 2026-02-02.

Conditions:
Agammaglobulinemia 7, autosomal recessive (AGM7). Also called: AGAMMAGLOBULINEMIA, AUTOSOMAL RECESSIVE, DUE TO PIK3R1 DEFECT. Identifiers: MedGen C3554689, MONDO:0014083, OMIM 615214.
SHORT syndrome. Also called: SHORT STATURE, HYPEREXTENSIBILITY, HERNIA, OCULAR DEPRESSION, RIEGER ANOMALY, AND TEETHING DELAY; LIPODYSTROPHY, PARTIAL, WITH RIEGER ANOMALY AND SHORT STATURE; PIK3R1-Related SHORT Syndrome. Identifiers: Orphanet 3163, MedGen C0878684, MONDO:0010026, OMIM 269880.
Immunodeficiency 36 with lymphoproliferation. Also called: Activated PI3K Delta Syndrome Type 2 (APDS2); ACTIVATED PI3K-DELTA SYNDROME 2; Immunodeficiency 36. Identifiers: Orphanet 397596, Orphanet 693681, MedGen C4014934, MONDO:0014453, OMIM 616005.

Allele frequency attached by ClinVar (database versions not stated): ExAC 0.00001; gnomAD exomes 0.00001 and 0.00002; gnomAD 0.00003; TOPMed 0.00004.
gnomAD v4.1: 24 of 1,613,732 alleles (0.0015%); highest among the groups gnomAD compares: African/African-American, 0.0093%; no homozygotes.

Submissions (2):

Labcorp Genetics (formerly Invitae), Labcorp
Classification: Uncertain significance for SHORT syndrome; Immunodeficiency 36 with lymphoproliferation; Agammaglobulinemia 7, autosomal recessive. Last evaluated: 2026-02-02. Review status: criteria provided, single submitter. Criteria: Invitae Variant Classification Sherloc (09022015). Collection method: clinical testing. Allele origin: germline.
Comment: This sequence change replaces alanine, which is neutral and non-polar, with valine, which is neutral and non-polar, at codon 10 of the PIK3R1 protein (p.Ala10Val). This variant is present in population databases (rs767837787, gnomAD 0.02%). This variant has not been reported in the literature in individuals affected with PIK3R1-related conditions. ClinVar contains an entry for this variant (Variation ID: 436317). An algorithm developed to predict the effect of missense changes on protein structure and function (PolyPhen-2) suggests that this variant is likely to be disruptive. In summary, the available evidence is currently insufficient to determine the role of this variant in disease. Therefore, it has been classified as a Variant of Uncertain Significance.

Genetic Services Laboratory, University of Chicago
Classification: Uncertain significance. Last evaluated: 2016-11-30. Review status: criteria provided, single submitter. Criteria: ACMG Guidelines, 2015. Collection method: clinical testing. Allele origin: germline. Affected: no.

NM_181523.3(PIK3R1):c.29C>T (p.Ala10Val)

Gene: PIK3R1 (phosphoinositide-3-kinase regulatory subunit 1; plus strand). Cytogenetic location: 5q13.1.
Variant type: single nucleotide variant.
Coding change: c.29C>T on transcript NM_181523.3 (MANE Select); coding-DNA position 29, C replaced by T.
Protein change: p.Ala10Val; replaces alanine 10 with valine.
Molecular consequence: missense variant.
Genome position (GRCh38, 1-based): chr5:68,226,704, C>T. VCF-style: chr5-68226704-C-T. GRCh37 (hg19) VCF-style: chr5-67522532-C-T.
Other names: short protein forms A10V.
Identifiers: ClinVar variation 436317 (VCV000436317.15), dbSNP rs767837787, ClinGen allele CA3289922.
Genomic context (GRCh38, chr5:68,226,704, plus strand): 5'-CTCAACTGTTGCATGGTAGCAGATTTGCAAACATGAGTGCTGAGGGGTACCAGTACAGAG[C>T]GCTGTATGATTATAAAAAGGAAAGAGAAGAAGATATTGACTTGCACTTGGGTGACATATT-3'
Protein context (NP_852664.1, residues 1-20): MSAEGYQYR[Ala10Val]LYDYKKEREE